The following is an entry in ClinVar:

NM_000321.3(RB1):c.2107-18_2110del

Gene: RB1 (RB transcriptional corepressor 1; plus strand). Cytogenetic location: 13q14.2.
Variant type: Deletion.
Coding change: c.2107-18_2110del on transcript NM_000321.3 (MANE Select); 18 bases into the intron before coding-DNA position 2107 through coding-DNA position 2110, 22 bases deleted (CATCAATTTATTTACTAGATTA).
Molecular consequence: splice acceptor variant.
Genome position (GRCh38, 1-based): chr13:48,463,713-48,463,734, CATCAATTTATTTACTAGATTA deleted; deleting any 22 consecutive bases within chr13:48,463,710-48,463,734 gives the same sequence; the c. name uses the placement nearest the transcript's 3' end. VCF-style (leftmost placement, unchanged base first): chr13-48463709-TTTACATCAATTTATTTACTAGA-T. GRCh37 (hg19) VCF-style: chr13-49037845-TTTACATCAATTTATTTACTAGA-T.
Other names: c.2107-18_2110del (NM_001407165.1); c.2107-19_2109del (NM_000321.3).
Identifiers: ClinVar variation 3237064 (VCV003237064.1), dbSNP rs2542373442.

ClinVar aggregate classification (germline): Pathogenic (1 of 4 stars; one submission).

Conditions:
Retinoblastoma (RB1). Also called: RETINOBLASTOMA, SOMATIC. Identifiers: Orphanet 790, MedGen C0035335, MeSH D012175, MONDO:0008380, OMIM 180200, HP:0009919. Disease mechanism: loss of function. Inheritance: Both sporadic and heritable forms are tested..

Submission:

Genetic Diagnostic Laboratory, University of Pennsylvania School of Medicine
Classification: Pathogenic for Retinoblastoma. Last evaluated: 2024-05-20. Review status: criteria provided, single submitter. Criteria: ACMG Guidelines, 2015. Collection method: clinical testing. Allele origin: germline. Affected: yes. Observed: 1 variant allele.
Comment: Case and Pedigree Information: BILATERAL CASES:1, UNILATERAL CASES:0, TOTAL CASES:1, PEDIGREES:1. ACMG Codes Applied:PVS1, PM2